The following is an entry in ClinVar:

NM_007294.4(BRCA1):c.5152+7A>C

Gene: BRCA1 (BRCA1 DNA repair associated; minus strand). Cytogenetic location: 17q21.31.
Variant type: single nucleotide variant.
Coding change: c.5152+7A>C on transcript NM_007294.4 (MANE Select); 7 bases into the intron after coding-DNA position 5152, A replaced by C.
Molecular consequence: intron variant.
Genome position (GRCh38, 1-based): chr17:43,063,867, T>G on the plus strand (A>C on the coding strand, the complement: BRCA1 is on the minus strand). VCF-style: chr17-43063867-T-G. GRCh37 (hg19) VCF-style: chr17-41215884-T-G.
Other names: c.1699+7A>C (NM_001408458.1, NM_001408461.1, NM_001408464.1 and 7 more transcripts); c.4261+7A>C (NM_001407967.1); c.4771+7A>C (NM_001407959.1); c.4885+7A>C (NM_001407931.1, NM_001407932.1, NM_001407928.1 and 4 more transcripts); c.5008+7A>C (NM_001407747.1, NM_001407745.1, NM_001407737.1 and 21 more transcripts); c.4768+7A>C (NM_001407962.1, NM_001407960.1); c.1339+7A>C (NM_001408512.1); c.1462+7A>C (NM_001408510.1); and 73 more.
Identifiers: ClinVar variation 868722 (VCV000868722.3), dbSNP rs80358046, ClinGen allele CA916080120.

Conditions:
Breast-ovarian cancer, familial, susceptibility to, 1 (BROVCA1). Also called: BRCA1 Hereditary Breast and Ovarian Cancer; OVARIAN CANCER, SUSCEPTIBILITY TO. Identifiers: Orphanet 145, MedGen C2676676, MONDO:0011450, OMIM 604370. Disease mechanism: loss of function.

Submission:

Brotman Baty Institute, University of Washington
No classification provided (evidence only). Condition: Breast-ovarian cancer, familial 1. Review status: no classification provided. Collection method: in vitro. Allele origin: not applicable. Functional consequence: functionally_abnormal.
ClinVar note: "not provided" was previously submitted as the classification for the variant. However, the classification appeared to be based only on an observation of functional data so it was converted to no classification on 2025-07-30.